The following is an entry in ClinVar:

ClinVar aggregate classification (germline): Uncertain significance (1 of 4 stars; one submission).

Conditions:
Hereditary cancer-predisposing syndrome. Also called: Neoplastic Syndromes, Hereditary; Tumor predisposition; Hereditary Cancer Syndrome; Hereditary neoplastic syndrome. Identifiers: Orphanet 140162, MedGen C0027672, MeSH D009386, MONDO:0015356.

Submission:

Ambry Genetics
Classification: Uncertain significance for Hereditary cancer-predisposing syndrome. Last evaluated: 2020-03-06. Review status: criteria provided, single submitter. Criteria: Ambry Variant Classification Scheme 2023. Collection method: clinical testing. Allele origin: germline.
Comment: The p.Q100H variant (also known as c.300G>C), located in coding exon 1 of the CHEK2 gene, results from a G to C substitution at nucleotide position 300. The glutamine at codon 100 is replaced by histidine, an amino acid with highly similar properties. This amino acid position is well conserved in available vertebrate species. In addition, the in silico prediction for this alteration is inconclusive. Since supporting evidence is limited at this time, the clinical significance of this alteration remains unclear.

NM_007194.4(CHEK2):c.300G>C (p.Gln100His)

Gene: CHEK2 (checkpoint kinase 2; minus strand). Cytogenetic location: 22q12.1.
Variant type: single nucleotide variant.
Coding change: c.300G>C on transcript NM_007194.4 (MANE Select); coding-DNA position 300, G replaced by C.
Protein change: p.Gln100His; replaces glutamine 100 with histidine.
Molecular consequence: missense variant.
Genome position (GRCh38, 1-based): chr22:28,734,422, C>G on the plus strand (G>C on the coding strand, the complement: CHEK2 is on the minus strand). VCF-style: chr22-28734422-C-G. GRCh37 (hg19) VCF-style: chr22-29130410-C-G.
Other names: c.300G>C, p.Gln100His (NM_001005735.3, NM_001349956.3, NM_145862.3); c.-478G>C (NM_001257387.3); short protein forms Q100H.
Identifiers: ClinVar variation 1798795 (VCV001798795.2), dbSNP rs1456691189, ClinGen allele CA411090271.